The following is an entry in ClinVar:

ClinVar aggregate classification (germline): Benign. Review status: criteria provided, multiple submitters, no conflicts (2 of 4 stars). 4 submissions from 4 submitters: Benign (3). 1 of the submissions does not count toward it. Last evaluated 2021-05-04.

Conditions:
KCNB2-related disorder. Also called: KCNB2-related condition.

Allele frequency attached by ClinVar (database versions not stated): gnomAD exomes 0.00543; ExAC 0.00649; 1000 Genomes Project 0.02057; gnomAD 0.02131 and 0.02295; 1000 Genomes Project 30x 0.02139; ESP Exome Variant Server 0.02276; TOPMed 0.02354.
gnomAD v4.1: 6,538 of 1,613,992 alleles (0.41%); highest among the groups gnomAD compares: African/African-American, 7.5%; 207 homozygotes.

Submissions (4):

GeneDx
Classification: Benign. Last evaluated: 2021-05-04. Review status: criteria provided, single submitter. Criteria: GeneDx Variant Classification Process June 2021. Collection method: clinical testing. Allele origin: germline. Affected: yes.

Labcorp Genetics (formerly Invitae), Labcorp
Classification: Benign. Last evaluated: 2019-12-31. Review status: criteria provided, single submitter. Criteria: Invitae Variant Classification Sherloc (09022015). Collection method: clinical testing. Allele origin: germline.

Breakthrough Genomics
Classification: Benign. Review status: criteria provided, single submitter. Criteria: ACMG Guidelines, 2015. Collection method: not provided. Allele origin: germline. Inheritance: Unknown mechanism. Affected: yes.

PreventionGenetics, part of Exact Sciences
Classification: Benign for KCNB2-related condition. Last evaluated: 2019-02-22. Review status: no assertion criteria provided. Collection method: clinical testing. Allele origin: germline. Not counted in ClinVar's aggregate classification.
Comment: This variant is classified as benign based on ACMG/AMP sequence variant interpretation guidelines (Richards et al. 2015 PMID: 25741868, with internal and published modifications).

NM_004770.3(KCNB2):c.156G>T (p.Thr52=)

Gene: KCNB2 (potassium voltage-gated channel subfamily B member 2; plus strand). Cytogenetic location: 8q21.11.
Variant type: single nucleotide variant.
Coding change: c.156G>T on transcript NM_004770.3 (MANE Select); coding-DNA position 156, G replaced by T.
Protein change: p.Thr52=; no amino-acid change (threonine 52 retained).
Molecular consequence: synonymous variant.
Genome position (GRCh38, 1-based): chr8:72,567,890, G>T. VCF-style: chr8-72567890-G-T. GRCh37 (hg19) VCF-style: chr8-73480125-G-T.
Identifiers: ClinVar variation 770572 (VCV000770572.9), dbSNP rs34259157, ClinGen allele CA4781429.